The following is an entry in ClinVar:

NM_000368.5(TSC1):c.806C>T (p.Ala269Val)

Gene: TSC1 (TSC complex subunit 1; minus strand). Cytogenetic location: 9q34.13.
Variant type: single nucleotide variant.
Coding change: c.806C>T on transcript NM_000368.5 (MANE Select); coding-DNA position 806, C replaced by T.
Protein change: p.Ala269Val; replaces alanine 269 with valine.
Molecular consequence: missense variant. On other transcripts: 5 prime UTR variant (5), non-coding transcript variant (5).
Genome position (GRCh38, 1-based): chr9:132,912,389, G>A on the plus strand (C>T on the coding strand, the complement: TSC1 is on the minus strand). VCF-style: chr9-132912389-G-A. GRCh37 (hg19) VCF-style: chr9-135787776-G-A.
Other names: c.806C>T, p.Ala269Val (NM_001162426.2, NM_001406592.1, NM_001406593.1 and 16 more transcripts); c.653C>T, p.Ala218Val (NM_001162427.2, NM_001406613.1, NM_001406610.1 and 2 more transcripts); c.443C>T, p.Ala148Val (NM_001362177.2, NM_001406614.1, NM_001406615.1 and 10 more transcripts); c.-146C>T (NM_001406626.1, NM_001406627.1, NM_001406628.1); c.-288C>T (NM_001406629.1, NM_001406630.1); short protein forms A148V, A218V, A269V.
Identifiers: ClinVar variation 3329425 (VCV003329425.1).

ClinVar aggregate classification (germline): Uncertain significance (1 of 4 stars; one submission).

Conditions:
Hereditary cancer-predisposing syndrome. Also called: Neoplastic Syndromes, Hereditary; Tumor predisposition; Hereditary neoplastic syndrome; Hereditary Cancer Syndrome. Identifiers: Orphanet 140162, MedGen C0027672, MeSH D009386, MONDO:0015356.

Submission:

Ambry Genetics
Classification: Uncertain significance for Hereditary cancer-predisposing syndrome. Last evaluated: 2024-05-04. Review status: criteria provided, single submitter. Criteria: Ambry Variant Classification Scheme 2023. Collection method: clinical testing. Allele origin: germline.
Comment: The p.A269V variant (also known as c.806C>T), located in coding exon 7 of the TSC1 gene, results from a C to T substitution at nucleotide position 806. The alanine at codon 269 is replaced by valine, an amino acid with similar properties. This amino acid position is conserved. In addition, this alteration is predicted to be deleterious by in silico analysis. Based on the available evidence, the clinical significance of this variant remains unclear.